The following is an entry in ClinVar:

NM_014319.5(LEMD3):c.2722C>G (p.Gln908Glu)

Gene: LEMD3 (LEM domain containing 3; plus strand). Cytogenetic location: 12q14.3.
Variant type: single nucleotide variant.
Coding change: c.2722C>G on transcript NM_014319.5 (MANE Select); coding-DNA position 2722, C replaced by G.
Protein change: p.Gln908Glu; replaces glutamine 908 with glutamic acid.
Molecular consequence: missense variant.
Genome position (GRCh38, 1-based): chr12:65,246,311, C>G. VCF-style: chr12-65246311-C-G. GRCh37 (hg19) VCF-style: chr12-65640091-C-G.
Other names: c.2719C>G, p.Gln907Glu (NM_001167614.2); short protein forms Q907E, Q908E.
Identifiers: ClinVar variation 3007113 (VCV003007113.3), dbSNP rs1399391736, ClinGen allele CA385676899.

ClinVar aggregate classification (germline): Uncertain significance (1 of 4 stars; one submission).

gnomAD v4.1: 4 of 1,612,730 alleles (0.00025%); highest among the groups gnomAD compares: Non-Finnish European, 0.00025%; no homozygotes.

Submission:

Labcorp Genetics (formerly Invitae), Labcorp
Classification: Uncertain significance. Last evaluated: 2025-08-02. Review status: criteria provided, single submitter. Criteria: Invitae Variant Classification Sherloc (09022015). Collection method: clinical testing. Allele origin: germline.
Comment: This sequence change replaces glutamine, which is neutral and polar, with glutamic acid, which is acidic and polar, at codon 908 of the LEMD3 protein (p.Gln908Glu). This variant is present in population databases (no rsID available, gnomAD 0.0009%). This variant has not been reported in the literature in individuals affected with LEMD3-related conditions. ClinVar contains an entry for this variant (Variation ID: 3007113). An algorithm developed to predict the effect of missense changes on protein structure and function (PolyPhen-2) suggests that this variant is likely to be disruptive. In summary, the available evidence is currently insufficient to determine the role of this variant in disease. Therefore, it has been classified as a Variant of Uncertain Significance.